The following is an entry in ClinVar:

ClinVar aggregate classification (germline): Pathogenic (1 of 4 stars; one submission).

Conditions:
Smith-Lemli-Opitz syndrome (SLOS). Also called: LETHAL ACRODYSGENITAL SYNDROME; POLYDACTYLY, SEX REVERSAL, RENAL HYPOPLASIA, AND UNILOBAR LUNG; RSH SYNDROME; RUTLEDGE LETHAL MULTIPLE CONGENITAL ANOMALY SYNDROME; 7-Dehydrocholesterol reductase deficiency. Identifiers: Orphanet 818, MedGen C0175694, MONDO:0010035, OMIM 270400.

Submission:

Myriad Genetics, Inc.
Classification: Pathogenic for Smith-Lemli-Opitz syndrome. Last evaluated: 2023-11-14. Review status: criteria provided, single submitter. Criteria: Myriad Autosomal Dominant, Autosomal Recessive and X-Linked Classification Criteria (2023). Collection method: clinical testing. Allele origin: unknown.
Comment: NM_001360.2(DHCR7):c.128delT(V43Afs*26) is expected to be pathogenic in the context of Smith-Lemli-Opitz syndrome. This variant is predicted to lead to an abnormal or absent protein product due to the creation of a premature termination codon in DHCR7, a gene where loss-of-function variants are known to be pathogenic. Please note: this variant was assessed in the context of healthy population screening.

NM_001360.3(DHCR7):c.128del (p.Val43fs)

Gene: DHCR7 (7-dehydrocholesterol reductase; minus strand). Cytogenetic location: 11q13.4.
Variant type: Deletion.
Coding change: c.128del on transcript NM_001360.3 (MANE Select); coding-DNA position 128, one base deleted (T; older notation c.128delT).
Protein change: p.Val43fs; shifts the reading frame from valine 43.
Molecular consequence: frameshift variant. On other transcripts: 5 prime UTR variant (1), intron variant (3).
Genome position (GRCh38, 1-based): chr11:71,444,186, A deleted on the plus strand (T on the coding strand, the reverse complement: DHCR7 is on the minus strand). VCF-style (leftmost placement, unchanged base first): chr11-71444185-GA-G. GRCh37 (hg19) VCF-style: chr11-71155231-GA-G.
Other names: c.128del, p.Val43fs (NM_001163817.2, NM_001425107.1, NM_001425108.1 and 8 more transcripts); c.-47del (NM_001425117.1); c.99-67del (NM_001425114.1, NM_001425116.1, NM_001425113.1); short protein forms V43fs.
Identifiers: ClinVar variation 5012480 (VCV005012480.1).